The following is an entry in ClinVar:

ClinVar aggregate classification (germline): Conflicting classifications of pathogenicity. Review status: criteria provided, conflicting classifications (1 of 4 stars). 2 submissions from 2 submitters: Uncertain significance (1); Likely benign (1). Last evaluated 2025-01-28.

Conditions:
Inborn genetic diseases. Identifiers: MedGen C0950123, MeSH D030342.
Neonatal-onset encephalopathy with rigidity and seizures. Also called: Lethal neonatal spasticity-epileptic encephalopathy syndrome. Identifiers: Orphanet 435845, MedGen C3281029, MONDO:0013784, OMIM 614498.

Allele frequency attached by ClinVar (database versions not stated): TOPMed 0.00001.

Submissions (2):

Ambry Genetics
Classification: Likely benign for Inborn genetic diseases. Last evaluated: 2025-01-28. Review status: criteria provided, single submitter. Criteria: Ambry Variant Classification Scheme 2023. Collection method: clinical testing. Allele origin: germline.

Labcorp Genetics (formerly Invitae), Labcorp
Classification: Uncertain significance for Neonatal-onset encephalopathy with rigidity and seizures. Last evaluated: 2021-09-01. Review status: criteria provided, single submitter. Criteria: Invitae Variant Classification Sherloc (09022015). Collection method: clinical testing. Allele origin: germline.
Comment: This sequence change replaces glutamic acid with lysine at codon 458 of the BRAT1 protein (p.Glu458Lys). The glutamic acid residue is highly conserved and there is a small physicochemical difference between glutamic acid and lysine. This variant is not present in population databases (ExAC no frequency). This variant has not been reported in the literature in individuals affected with BRAT1-related conditions. Algorithms developed to predict the effect of missense changes on protein structure and function output the following: SIFT: "Deleterious"; PolyPhen-2: "Benign"; Align-GVGD: "Class C0". The lysine amino acid residue is found in multiple mammalian species, which suggests that this missense change does not adversely affect protein function. In summary, the available evidence is currently insufficient to determine the role of this variant in disease. Therefore, it has been classified as a Variant of Uncertain Significance.

NM_152743.4(BRAT1):c.1372G>A (p.Glu458Lys)

Gene: BRAT1 (BRCA1 associated ATM activator 1; minus strand). Cytogenetic location: 7p22.3.
Variant type: single nucleotide variant.
Coding change: c.1372G>A on transcript NM_152743.4 (MANE Select); coding-DNA position 1372, G replaced by A.
Protein change: p.Glu458Lys; replaces glutamic acid 458 with lysine.
Molecular consequence: missense variant. On other transcripts: non-coding transcript variant (1).
Genome position (GRCh38, 1-based): chr7:2,541,002, C>T on the plus strand (G>A on the coding strand, the complement: BRAT1 is on the minus strand). VCF-style: chr7-2541002-C-T. GRCh37 (hg19) VCF-style: chr7-2580636-C-T.
Other names: c.1372G>A, p.Glu458Lys (NM_001350626.2); c.847G>A, p.Glu283Lys (NM_001350627.2); short protein forms E283K, E458K.
Identifiers: ClinVar variation 938213 (VCV000938213.8), dbSNP rs753141535, ClinGen allele CA366628699.